The following is an entry in ClinVar:

ClinVar aggregate classification (germline): Pathogenic/Likely pathogenic. Review status: criteria provided, multiple submitters, no conflicts (2 of 4 stars). 3 submissions from 3 submitters: Pathogenic (1); Likely pathogenic (1). 1 of the submissions does not count toward it. Last evaluated 2017-01-06.

Conditions:
DYRK1A-related intellectual disability syndrome (MRD7). Also called: DYRK1A Syndrome; Intellectual developmental disorder, autosomal dominant 7. Identifiers: Orphanet 464306, MedGen C5568143, MONDO:0013578, OMIM 614104.

Submissions (3):

GeneDx
Classification: Likely pathogenic. Last evaluated: 2017-01-06. Review status: criteria provided, single submitter. Criteria: GeneDx Variant Classification (06012015). Collection method: clinical testing. Allele origin: germline. Affected: yes.
Comment: A S311F variant that is likely pathogenic has been identified in the DYRK1A gene. The S311F variant has been reported previously as a de novo variant in an individual with DYRK1A-related disorder (Ruaud et al., 2015). The S311F variant is not observed in large population cohorts (Lek et al., 2016; 1000 Genomes Consortium et al., 2015; Exome Variant Server). The S311F variant is a non-conservative amino acid substitution, which is likely to impact secondary protein structure as these residues differ in polarity, charge, size and/or other properties. This substitution occurs at a position that is conserved across species, and in silico analysis predicts this variant is probably damaging to the protein structure/function. Therefore, this variant is likely pathogenic; however, the possibility that it is benign cannot be excluded.

Groupe Hospitalier Pitie Salpetriere, Uf Genomique Du Developpement, Assistance Publique Hopitaux de Paris Sorbonne Université
Classification: Pathogenic for Mental retardation, autosomal dominant 7. Last evaluated: 2017-01-06. Review status: criteria provided, single submitter. Criteria: ACMG Guidelines, 2015. Collection method: clinical testing. Allele origin: de novo. Affected: yes. Observed: 1 variant allele.
Comment: Intellectual disability; small stature; epilepsy; recurrent infections; microcephaly

Hong-Tao Li Lab, Institute of Brain Science and Brain-inspired Research, Shandong First Medical University & Shandong Academy of Medical Sciences China
Classification: Uncertain significance for DYRK1A-related intellectual disability syndrome. Review status: no assertion criteria provided. Collection method: research. Allele origin: germline. Inheritance: Autosomal dominant inheritance. Affected: yes. Observed: 1 variant allele, 1 heterozygote. Not counted in ClinVar's aggregate classification.
Comment: Observed in affected individuals from a Pakistani neurodevelopmental-disorder research cohort of 263 individuals. Classification assigned using the ACMG/AMP framework.

Literature cited by the submitters: PubMed 28708303 (cited by Groupe Hospitalier Pitie Salpetriere, Uf Genomique Du Developpement, Assistance Publique Hopitaux de Paris Sorbonne Université).

NM_001347721.2(DYRK1A):c.905C>T (p.Ser302Phe)

Gene: DYRK1A (dual specificity tyrosine phosphorylation regulated kinase 1A; plus strand). Cytogenetic location: 21q22.13.
Variant type: single nucleotide variant.
Coding change: c.905C>T on transcript NM_001347721.2 (MANE Select); coding-DNA position 905, C replaced by T.
Protein change: p.Ser302Phe; replaces serine 302 with phenylalanine.
Molecular consequence: missense variant.
Genome position (GRCh38, 1-based): chr21:37,490,442, C>T. VCF-style: chr21-37490442-C-T. GRCh37 (hg19) VCF-style: chr21-38862744-C-T.
Other names: c.905C>T, p.Ser302Phe (NM_001347722.2, NM_130436.2); c.818C>T, p.Ser273Phe (NM_001347723.2); c.932C>T, p.Ser311Phe (NM_001396.5, NM_101395.2, NM_130438.2); short protein forms S311F, S302F, S273F.
Identifiers: ClinVar variation 381574 (VCV000381574.5), dbSNP rs1039571136, ClinGen allele CA16608057.
Genomic context (GRCh38, chr21:37,490,442, plus strand): 5'-AAAATATCCTTCTTTGTAACCCCAAACGCAGTGCAATCAAGATAGTTGACTTTGGCAGTT[C>T]TTGTCAGTTGGGGCAGAGGGTAAGTATTATTTCAGAACTTGTGAATTAAATAGAAATTAA-3'
Protein context (NP_001334650.1, residues 292-312): SAIKIVDFGS[Ser302Phe]CQLGQRIYQY